The following is an entry in ClinVar:

ClinVar aggregate classification (germline): Uncertain significance (1 of 4 stars; one submission).

Conditions:
Nemaline myopathy 2 (NEM2). Also called: Nemaline myopathy 2, autosomal recessive. Identifiers: MedGen C1850569, MONDO:0009725, OMIM 256030.

Submission:

Labcorp Genetics (formerly Invitae), Labcorp
Classification: Uncertain significance for Nemaline myopathy 2. Last evaluated: 2022-08-01. Review status: criteria provided, single submitter. Criteria: Invitae Variant Classification Sherloc (09022015). Collection method: clinical testing. Allele origin: germline.
Comment: This sequence change replaces serine, which is neutral and polar, with arginine, which is basic and polar, at codon 1210 of the NEB protein (p.Ser1210Arg). In summary, the available evidence is currently insufficient to determine the role of this variant in disease. Therefore, it has been classified as a Variant of Uncertain Significance. Algorithms developed to predict the effect of missense changes on protein structure and function are either unavailable or do not agree on the potential impact of this missense change (SIFT: "Deleterious"; PolyPhen-2: "Not Available"; Align-GVGD: "Class C0"). This variant has not been reported in the literature in individuals affected with NEB-related conditions. This variant is not present in population databases (gnomAD no frequency).

NM_001164508.2(NEB):c.3630T>G (p.Ser1210Arg)

Gene: NEB (nebulin; minus strand). Cytogenetic location: 2q23.3.
Variant type: single nucleotide variant.
Coding change: c.3630T>G on transcript NM_001164508.2 (MANE Select); coding-DNA position 3630, T replaced by G.
Protein change: p.Ser1210Arg; replaces serine 1210 with arginine.
Molecular consequence: missense variant.
Genome position (GRCh38, 1-based): chr2:151,677,709, A>C on the plus strand (T>G on the coding strand, the complement: NEB is on the minus strand). VCF-style: chr2-151677709-A-C. GRCh37 (hg19) VCF-style: chr2-152534223-A-C.
Other names: c.3630T>G, p.Ser1210Arg (NM_001164507.2, NM_001271208.2, NM_004543.5); short protein forms S1210R.
Identifiers: ClinVar variation 2142648 (VCV002142648.2), dbSNP rs1166604133, ClinGen allele CA348818652.